The following is an entry in ClinVar:

NM_002887.4(RARS1):c.1873+32_1873+33dup

Gene: RARS1 (arginyl-tRNA synthetase 1; plus strand). Cytogenetic location: 5q34.
Variant type: Duplication.
Coding change: c.1873+32_1873+33dup on transcript NM_002887.4 (MANE Select); bases 32 to 33 of the intron after coding-DNA position 1873, 2 bases duplicated (TT; older notation c.1873+32_1873+33dupTT).
Molecular consequence: intron variant.
Genome position (GRCh38, 1-based): chr5:168,518,094-168,518,095, TT duplicated; duplicating any 2 consecutive bases within chr5:168,518,072-168,518,095 gives the same sequence; the c. name uses the placement nearest the transcript's 3' end. VCF-style (leftmost placement, unchanged base first): chr5-168518071-C-CTT. GRCh37 (hg19) VCF-style: chr5-167945076-C-CTT.
Other names: p.?.
Identifiers: ClinVar variation 4684886 (VCV004684886.2).

ClinVar aggregate classification (germline): Likely benign. Review status: criteria provided, multiple submitters, no conflicts (2 of 4 stars). 2 submissions from 2 submitters: Likely benign (2). Last evaluated 2025-01-14.

Submissions (2):

Mayo Clinic Laboratories, Mayo Clinic
Classification: Likely benign. Last evaluated: 2025-01-14. Review status: criteria provided, single submitter. Criteria: ACMG Guidelines, 2015. Collection method: clinical testing. Allele origin: germline. Observed: 2 variant alleles.
Comment: BP4, BP7

Blueprint Genetics
Classification: Likely benign. Last evaluated: 2024-11-19. Review status: criteria provided, single submitter. Criteria: ACMG Guidelines, 2015. Collection method: clinical testing. Allele origin: germline.